The following is an entry in ClinVar:

ClinVar aggregate classification (germline): Likely benign (1 of 4 stars; one submission).

Submission:

CeGaT Center for Human Genetics Tuebingen
Classification: Likely benign. Last evaluated: 2025-04-01. Review status: criteria provided, single submitter. Criteria: CeGaT Center For Human Genetics Tuebingen Variant Classification Criteria Version 2. Collection method: clinical testing. Allele origin: germline. Affected: yes. Observed: 1 variant allele.
Comment: PIK3R2: PM2:Supporting, BP4, BP7

NM_005027.4(PIK3R2):c.831T>C (p.Pro277=)

Gene: PIK3R2 (phosphoinositide-3-kinase regulatory subunit 2; plus strand). Cytogenetic location: 19p13.11.
Variant type: single nucleotide variant.
Coding change: c.831T>C on transcript NM_005027.4 (MANE Select); coding-DNA position 831, T replaced by C.
Protein change: p.Pro277=; no amino-acid change (proline 277 retained).
Molecular consequence: synonymous variant. On other transcripts: non-coding transcript variant (2).
Genome position (GRCh38, 1-based): chr19:18,161,981, T>C. VCF-style: chr19-18161981-T-C. GRCh37 (hg19) VCF-style: chr19-18272791-T-C.
Identifiers: ClinVar variation 3898598 (VCV003898598.7).